The following is an entry in ClinVar:

ClinVar aggregate classification (germline): Conflicting classifications of pathogenicity. Review status: criteria provided, conflicting classifications (1 of 4 stars). 2 submissions from 2 submitters: Uncertain significance (1); Likely benign (1). Last evaluated 2023-03-23.

Conditions:
Hereditary cancer-predisposing syndrome. Also called: Hereditary neoplastic syndrome; Tumor predisposition; Neoplastic Syndromes, Hereditary; Hereditary Cancer Syndrome. Identifiers: Orphanet 140162, MedGen C0027672, MeSH D009386, MONDO:0015356.
Hereditary breast ovarian cancer syndrome. Also called: Hereditary breast and ovarian cancer; Breast and ovarian cancer; BRCA1- and BRCA2-Associated Hereditary Breast and Ovarian Cancer; Hereditary breast and/or ovarian cancer syndrome; Hereditary breast and ovarian cancer syndrome; Hereditary breast and ovarian cancer syndrome (HBOC). Identifiers: Orphanet 145, MedGen C0677776, MeSH D061325, MONDO:0003582. Disease mechanism: loss of function.

Submissions (2):

University of Washington Department of Laboratory Medicine, University of Washington
Classification: Likely benign for Hereditary cancer-predisposing syndrome. Last evaluated: 2023-03-23. Review status: criteria provided, single submitter. Criteria: Dines et al. (Genet Med. 2020). Collection method: curation. Allele origin: germline.
Comment: Missense variant in a coldspot region where missense variants are very unlikely to be pathogenic (PMID:31911673).

BRCA2 exon 11 coldspot. Reclassification based on statistical prior probability.

Labcorp Genetics (formerly Invitae), Labcorp
Classification: Uncertain significance for Hereditary breast ovarian cancer syndrome. Last evaluated: 2021-01-19. Review status: criteria provided, single submitter. Criteria: Invitae Variant Classification Sherloc (09022015). Collection method: clinical testing. Allele origin: germline.
Comment: This variant has not been reported in the literature in individuals with BRCA2-related conditions. This variant is not present in population databases (ExAC no frequency). This sequence change replaces aspartic acid with glutamic acid at codon 974 of the BRCA2 protein (p.Asp974Glu). The aspartic acid residue is weakly conserved and there is a small physicochemical difference between aspartic acid and glutamic acid. Advanced modeling of protein sequence and biophysical properties (such as structural, functional, and spatial information, amino acid conservation, physicochemical variation, residue mobility, and thermodynamic stability) performed at Invitae indicates that this missense variant is not expected to disrupt BRCA2 protein function. In summary, the available evidence is currently insufficient to determine the role of this variant in disease. Therefore, it has been classified as a Variant of Uncertain Significance.

NM_000059.4(BRCA2):c.2922C>A (p.Asp974Glu)

Gene: BRCA2 (BRCA2 DNA repair associated; plus strand). Cytogenetic location: 13q13.1.
Variant type: single nucleotide variant.
Coding change: c.2922C>A on transcript NM_000059.4 (MANE Select); coding-DNA position 2922, C replaced by A.
Protein change: p.Asp974Glu; replaces aspartic acid 974 with glutamic acid.
Molecular consequence: missense variant.
Genome position (GRCh38, 1-based): chr13:32,337,277, C>A. VCF-style: chr13-32337277-C-A. GRCh37 (hg19) VCF-style: chr13-32911414-C-A.
Other names: short protein forms D974E.
Identifiers: ClinVar variation 1503883 (VCV001503883.9), dbSNP rs929538989, ClinGen allele CA387774211.